The following is an entry in ClinVar:

NM_000095.3(COMP):c.165+12G>A

Gene: COMP (cartilage oligomeric matrix protein; minus strand). Cytogenetic location: 19p13.11.
Variant type: single nucleotide variant.
Coding change: c.165+12G>A on transcript NM_000095.3 (MANE Select); 12 bases into the intron after coding-DNA position 165, G replaced by A.
Molecular consequence: intron variant.
Genome position (GRCh38, 1-based): chr19:18,790,838, C>T on the plus strand (G>A on the coding strand, the complement: COMP is on the minus strand). VCF-style: chr19-18790838-C-T. GRCh37 (hg19) VCF-style: chr19-18901647-C-T.
Identifiers: ClinVar variation 3604389 (VCV003604389.2).

ClinVar aggregate classification (germline): Uncertain significance (1 of 4 stars; one submission).

gnomAD v4.1: 19 of 1,555,320 alleles (0.0012%); highest among the groups gnomAD compares: Middle Eastern, 0.017%; no homozygotes.

Submission:

Labcorp Genetics (formerly Invitae), Labcorp
Classification: Uncertain significance. Last evaluated: 2024-07-17. Review status: criteria provided, single submitter. Criteria: Invitae Variant Classification Sherloc (09022015). Collection method: clinical testing. Allele origin: germline.
Comment: This sequence change falls in intron 2 of the COMP gene. It does not directly change the encoded amino acid sequence of the COMP protein. The frequency data for this variant in the population databases is considered unreliable, as metrics indicate poor data quality at this position in the gnomAD database. This variant has not been reported in the literature in individuals affected with COMP-related conditions. Algorithms developed to predict the effect of sequence changes on RNA splicing suggest that this variant may create or strengthen a splice site. In summary, the available evidence is currently insufficient to determine the role of this variant in disease. Therefore, it has been classified as a Variant of Uncertain Significance.